The following is an entry in ClinVar:

NM_001211.6(BUB1B):c.919G>A (p.Glu307Lys)

Gene: BUB1B (BUB1 mitotic checkpoint serine/threonine kinase B; plus strand). Cytogenetic location: 15q15.1.
Variant type: single nucleotide variant.
Coding change: c.919G>A on transcript NM_001211.6 (MANE Select); coding-DNA position 919, G replaced by A.
Protein change: p.Glu307Lys; replaces glutamic acid 307 with lysine.
Molecular consequence: missense variant.
Genome position (GRCh38, 1-based): chr15:40,185,332, G>A. VCF-style: chr15-40185332-G-A. GRCh37 (hg19) VCF-style: chr15-40477533-G-A.
Other names: short protein forms E307K.
Identifiers: ClinVar variation 2497657 (VCV002497657.2), dbSNP rs2542535707, ClinGen allele CA391684666.

ClinVar aggregate classification (germline): Uncertain significance (1 of 4 stars; one submission).

Conditions:
Inborn genetic diseases. Identifiers: MedGen C0950123, MeSH D030342.

Submission:

Ambry Genetics
Classification: Uncertain significance for Inborn genetic diseases. Last evaluated: 2023-01-12. Review status: criteria provided, single submitter. Criteria: Ambry Variant Classification Scheme 2023. Collection method: clinical testing. Allele origin: germline.
Comment: The p.E307K variant (also known as c.919G>A), located in coding exon 7 of the BUB1B gene, results from a G to A substitution at nucleotide position 919. The glutamic acid at codon 307 is replaced by lysine, an amino acid with similar properties. This amino acid position is conserved. In addition, the in silico prediction for this alteration is inconclusive. Since supporting evidence is limited at this time, the clinical significance of this alteration remains unclear.